The following is an entry in ClinVar:

NC_000011.10:g.108304675del

Gene: ATM (ATM serine/threonine kinase; plus strand). Cytogenetic location: 11q22.3.
Variant type: Deletion.
Genome position: GRCh38 VCF-style: chr11-108304673-AG-A. GRCh37 (hg19) VCF-style: chr11-108175400-AG-A.
Identifiers: ClinVar variation 3148594 (VCV003148594.3), dbSNP rs2546986671, ClinGen allele CA2825001905.

ClinVar aggregate classification (germline): Pathogenic. Review status: criteria provided, multiple submitters, no conflicts (2 of 4 stars). 2 submissions from 2 submitters: Pathogenic (2). Last evaluated 2024-12-16.

Conditions:
Familial cancer of breast. Also called: Hereditary breast cancer; BREAST CANCER, FAMILIAL; hereditary breast carcinoma. Identifiers: Orphanet 227535, MedGen C0346153, MONDO:0016419, OMIM 114480. Disease mechanism: loss of function.
Ataxia-telangiectasia syndrome (AT). Also called: Ataxia telangiectasia (A-T); Ataxia-telangiectasia, complementation group D; Ataxia-telangiectasia, complementation group E; LOUIS-BAR SYNDROME; Cerebello-oculocutaneous telangiectasia; Immunodeficiency with ataxia telangiectasia. Identifiers: Orphanet 100, MedGen C0004135, MONDO:0008840, OMIM 208900.

Submissions (2):

Labcorp Genetics (formerly Invitae), Labcorp
Classification: Pathogenic for Ataxia-telangiectasia syndrome. Last evaluated: 2024-12-16. Review status: criteria provided, single submitter. Criteria: Invitae Variant Classification Sherloc (09022015). Collection method: clinical testing. Allele origin: germline.
Comment: This sequence change creates a premature translational stop signal (p.Val1833*) in the ATM gene. It is expected to result in an absent or disrupted protein product. Loss-of-function variants in ATM are known to be pathogenic (PMID: 23807571, 25614872). This variant is not present in population databases (gnomAD no frequency). This variant has not been reported in the literature in individuals affected with ATM-related conditions. ClinVar contains an entry for this variant (Variation ID: 3148594). Algorithms developed to predict the effect of sequence changes on RNA splicing suggest that this variant may disrupt the consensus splice site. For these reasons, this variant has been classified as Pathogenic.

Myriad Genetics, Inc.
Classification: Pathogenic for Familial cancer of breast. Last evaluated: 2024-01-25. Review status: criteria provided, single submitter. Criteria: Myriad Autosomal Dominant, Autosomal Recessive and X-Linked Classification Criteria (2023). Collection method: clinical testing. Allele origin: unknown.
Comment: This variant is considered pathogenic. This variant creates a termination codon and is predicted to result in premature protein truncation.

Literature cited by the submitters: PubMed 23807571 (cited by Labcorp Genetics (formerly Invitae), Labcorp); PubMed 25614872 (cited by Labcorp Genetics (formerly Invitae), Labcorp).